The following is an entry in ClinVar:

NM_017654.4(SAMD9):c.1221T>G (p.Asn407Lys)

Gene: SAMD9 (sterile alpha motif domain containing 9; minus strand). Cytogenetic location: 7q21.2.
Variant type: single nucleotide variant.
Coding change: c.1221T>G on transcript NM_017654.4 (MANE Select); coding-DNA position 1221, T replaced by G.
Protein change: p.Asn407Lys; replaces asparagine 407 with lysine.
Molecular consequence: missense variant.
Genome position (GRCh38, 1-based): chr7:93,104,877, A>C on the plus strand (T>G on the coding strand, the complement: SAMD9 is on the minus strand). VCF-style: chr7-93104877-A-C. GRCh37 (hg19) VCF-style: chr7-92734190-A-C.
Other names: c.1221T>G, p.Asn407Lys (NM_001193307.2); short protein forms N407K.
Identifiers: ClinVar variation 2000759 (VCV002000759.4), dbSNP rs2535360975, ClinGen allele CA368198325.
Genomic context (GRCh38, chr7:93,104,877, plus strand): 5'-GTGTTTTGTTTGATCTGGGTGGCATTTATTTGTTACAAGAATGTACTGTTCATAGTATGA[A>C]TTATCTAACAAATCTTGATTTCCTGTCAATAATTTAACCAACTTTGGTCCCTCTCTTTCT-3'
Protein context (NP_060124.2, residues 397-417): LLTGNQDLLD[Asn407Lys]SYYEQYILVT

ClinVar aggregate classification (germline): Uncertain significance (1 of 4 stars; one submission).

Submission:

Labcorp Genetics (formerly Invitae), Labcorp
Classification: Uncertain significance. Last evaluated: 2022-09-13. Review status: criteria provided, single submitter. Criteria: Invitae Variant Classification Sherloc (09022015). Collection method: clinical testing. Allele origin: germline.
Comment: This variant has not been reported in the literature in individuals affected with SAMD9-related conditions. Advanced modeling of protein sequence and biophysical properties (such as structural, functional, and spatial information, amino acid conservation, physicochemical variation, residue mobility, and thermodynamic stability) performed at Invitae indicates that this missense variant is not expected to disrupt SAMD9 protein function. In summary, the available evidence is currently insufficient to determine the role of this variant in disease. Therefore, it has been classified as a Variant of Uncertain Significance. This variant is not present in population databases (gnomAD no frequency). This sequence change replaces asparagine, which is neutral and polar, with lysine, which is basic and polar, at codon 407 of the SAMD9 protein (p.Asn407Lys).